The following is an entry in ClinVar:

NM_006230.4(POLD2):c.-77C>T

Gene: POLD2 (DNA polymerase delta 2, accessory subunit; minus strand). Cytogenetic location: 7p13.
Variant type: single nucleotide variant.
Coding change: c.-77C>T on transcript NM_006230.4 (MANE Select); 77 bases upstream of the start codon, C replaced by T.
Molecular consequence: 5 prime UTR variant.
Genome position (GRCh38, 1-based): chr7:44,123,531, G>A on the plus strand (C>T on the coding strand, the complement: POLD2 is on the minus strand). VCF-style: chr7-44123531-G-A. GRCh37 (hg19) VCF-style: chr7-44163130-G-A.
Other names: c.-250C>T (NM_001127218.3); c.-673C>T (NM_001256879.2).
Identifiers: ClinVar variation 3684459 (VCV003684459.2).

ClinVar aggregate classification (germline): Uncertain significance (1 of 4 stars; one submission).

gnomAD v4.1: 9 of 1,487,362 alleles (0.00061%); highest among the groups gnomAD compares: Non-Finnish European, 0.00062%; no homozygotes.

Submission:

Labcorp Genetics (formerly Invitae), Labcorp
Classification: Uncertain significance. Last evaluated: 2025-09-20. Review status: criteria provided, single submitter. Criteria: Invitae Variant Classification Sherloc (09022015). Collection method: clinical testing. Allele origin: germline.
Comment: This sequence change replaces alanine, which is neutral and non-polar, with valine, which is neutral and non-polar, at codon 10 of the POLD2 protein (p.Ala10Val). The frequency data for this variant in the population databases is considered unreliable, as metrics indicate poor data quality at this position in the gnomAD database. This variant has not been reported in the literature in individuals affected with POLD2-related conditions. ClinVar contains an entry for this variant (Variation ID: 3684459). Experimental studies and prediction algorithms are not available or were not evaluated, and the functional significance of this variant is currently unknown. In summary, the available evidence is currently insufficient to determine the role of this variant in disease. Therefore, it has been classified as a Variant of Uncertain Significance.